The following is an entry in ClinVar:

ClinVar aggregate classification (germline): Uncertain significance (1 of 4 stars; one submission).

Submission:

GeneDx
Classification: Uncertain significance. Last evaluated: 2022-03-08. Review status: criteria provided, single submitter. Criteria: GeneDx Variant Classification Process June 2021. Collection method: clinical testing. Allele origin: germline. Affected: yes.
Comment: Not observed at significant frequency in large population cohorts (gnomAD); In silico analysis supports that this missense variant has a deleterious effect on protein structure/function; Has not been previously published as pathogenic or benign to our knowledge

NM_001271.4(CHD2):c.1152A>G (p.Ile384Met)

Gene: CHD2 (chromodomain helicase DNA binding protein 2; plus strand). Cytogenetic location: 15q26.1.
Variant type: single nucleotide variant.
Coding change: c.1152A>G on transcript NM_001271.4 (MANE Select); coding-DNA position 1152, A replaced by G.
Protein change: p.Ile384Met; replaces isoleucine 384 with methionine.
Molecular consequence: missense variant.
Genome position (GRCh38, 1-based): chr15:92,944,514, A>G. VCF-style: chr15-92944514-A-G. GRCh37 (hg19) VCF-style: chr15-93487744-A-G.
Other names: c.1152A>G, p.Ile384Met (NM_001042572.3); short protein forms I384M.
Identifiers: ClinVar variation 1704784 (VCV001704784.2), dbSNP rs2505452072, ClinGen allele CA393903249.